The following is an entry in ClinVar:

NM_000784.4(CYP27A1):c.1508C>T (p.Pro503Leu)

Gene: CYP27A1 (cytochrome P450 family 27 subfamily A member 1; plus strand). Cytogenetic location: 2q35.
Variant type: single nucleotide variant.
Coding change: c.1508C>T on transcript NM_000784.4 (MANE Select); coding-DNA position 1508, C replaced by T.
Protein change: p.Pro503Leu; replaces proline 503 with leucine.
Molecular consequence: missense variant.
Genome position (GRCh38, 1-based): chr2:218,814,942, C>T. VCF-style: chr2-218814942-C-T. GRCh37 (hg19) VCF-style: chr2-219679665-C-T.
Other names: short protein forms P503L.
Identifiers: ClinVar variation 596356 (VCV000596356.13), dbSNP rs776752717, ClinGen allele CA2112933.

ClinVar aggregate classification (germline): Uncertain significance. Review status: criteria provided, multiple submitters, no conflicts (2 of 4 stars). 4 submissions from 4 submitters: Uncertain significance (3). 1 of the submissions does not count toward it. Last evaluated 2024-06-14.

Conditions:
CYP27A1-related disorder. Also called: CYP27A1-related condition.
Cholestanol storage disease (CTX). Also called: Cerebrotendinous Xanthomatosis; CTX: Cerebrotendinous xanthomatosis; CEREBRAL CHOLESTERINOSIS. Identifiers: Orphanet 909, MedGen C0238052, MONDO:0008948, OMIM 213700.
Cardiovascular phenotype. Identifiers: MedGen CN230736.

Allele frequency attached by ClinVar (database versions not stated): TOPMed 0.00005.

Submissions (4):

Ambry Genetics
Classification: Uncertain significance for Cardiovascular phenotype. Last evaluated: 2024-06-14. Review status: criteria provided, single submitter. Criteria: Ambry Variant Classification Scheme 2023. Collection method: clinical testing. Allele origin: germline.
Comment: The p.P503L variant (also known as c.1508C>T), located in coding exon 9 of the CYP27A1 gene, results from a C to T substitution at nucleotide position 1508. The proline at codon 503 is replaced by leucine, an amino acid with similar properties. This amino acid position is conserved. In addition, the in silico prediction for this alteration is inconclusive. Since supporting evidence is limited at this time, the clinical significance of this alteration remains unclear.

Labcorp Genetics (formerly Invitae), Labcorp
Classification: Uncertain significance for Cholestanol storage disease. Last evaluated: 2022-10-13. Review status: criteria provided, single submitter. Criteria: Invitae Variant Classification Sherloc (09022015). Collection method: clinical testing. Allele origin: germline.
Comment: This sequence change replaces proline, which is neutral and non-polar, with leucine, which is neutral and non-polar, at codon 503 of the CYP27A1 protein (p.Pro503Leu). This variant is present in population databases (rs776752717, gnomAD 0.004%). This variant has not been reported in the literature in individuals affected with CYP27A1-related conditions. ClinVar contains an entry for this variant (Variation ID: 596356). Advanced modeling of protein sequence and biophysical properties (such as structural, functional, and spatial information, amino acid conservation, physicochemical variation, residue mobility, and thermodynamic stability) has been performed at Invitae for this missense variant, however the output from this modeling did not meet the statistical confidence thresholds required to predict the impact of this variant on CYP27A1 protein function. In summary, the available evidence is currently insufficient to determine the role of this variant in disease. Therefore, it has been classified as a Variant of Uncertain Significance.

Eurofins Ntd Llc (ga)
Classification: Uncertain significance. Last evaluated: 2018-03-12. Review status: criteria provided, single submitter. Criteria: EGL ClinVar v180209 classification definitions. Collection method: clinical testing. Allele origin: germline. Observed: 1 variant allele, 1 heterozygote.

PreventionGenetics, part of Exact Sciences
Classification: Uncertain significance for CYP27A1-related condition. Last evaluated: 2024-05-03. Review status: no assertion criteria provided. Collection method: clinical testing. Allele origin: germline. Not counted in ClinVar's aggregate classification.
Comment: The CYP27A1 c.1508C>T variant is predicted to result in the amino acid substitution p.Pro503Leu. To our knowledge, this variant has not been reported in the literature. This variant is reported in 0.0046% of alleles in individuals of European (Finnish) descent in gnomAD. At this time, the clinical significance of this variant is uncertain due to the absence of conclusive functional and genetic evidence.